The following is an entry in ClinVar:

NM_005321.3(H1-4):c.240C>T (p.Ile80=)

Gene: H1-4 (H1.4 linker histone, cluster member; plus strand). Cytogenetic location: 6p22.2.
Variant type: single nucleotide variant.
Coding change: c.240C>T on transcript NM_005321.3 (MANE Select); coding-DNA position 240, C replaced by T.
Protein change: p.Ile80=; no amino-acid change (isoleucine 80 retained).
Molecular consequence: synonymous variant.
Genome position (GRCh38, 1-based): chr6:26,156,630, C>T. VCF-style: chr6-26156630-C-T. GRCh37 (hg19) VCF-style: chr6-26156858-C-T.
Identifiers: ClinVar variation 3250889 (VCV003250889.18), dbSNP rs144176456.
Genomic context (GRCh38, chr6:26,156,630, plus strand): 5'-CGCTCTCAAGAAAGCGCTGGCAGCCGCTGGCTATGACGTGGAGAAGAACAACAGCCGCAT[C>T]AAGCTGGGTCTCAAGAGCCTGGTGAGCAAGGGCACCCTGGTGCAGACCAAGGGCACCGGC-3'
Protein context (NP_005312.1, residues 70-90): GYDVEKNNSR[Ile80=]KLGLKSLVSK

ClinVar aggregate classification (germline): Likely benign (1 of 4 stars; one submission).

Allele frequency attached by ClinVar (database versions not stated): gnomAD exomes 0.00001.
gnomAD v4.1: 21 of 1,614,250 alleles (0.0013%); highest among the groups gnomAD compares: South Asian, 0.0022%; no homozygotes.

Submission:

CeGaT Center for Human Genetics Tuebingen
Classification: Likely benign. Last evaluated: 2024-06-01. Review status: criteria provided, single submitter. Criteria: CeGaT Center For Human Genetics Tuebingen Variant Classification Criteria Version 2. Collection method: clinical testing. Allele origin: germline. Affected: yes. Observed: 1 variant allele.
Comment: H1-4: BP4